The following is an entry in ClinVar:

ClinVar aggregate classification (germline): Uncertain significance (1 of 4 stars; one submission).

gnomAD v4.1: 8 of 1,534,862 alleles (0.00052%); highest among the groups gnomAD compares: South Asian, 0.0011%; no homozygotes.

Submission:

Labcorp Genetics (formerly Invitae), Labcorp
Classification: Uncertain significance. Last evaluated: 2022-04-20. Review status: criteria provided, single submitter. Criteria: Invitae Variant Classification Sherloc (09022015). Collection method: clinical testing. Allele origin: germline.
Comment: In summary, the available evidence is currently insufficient to determine the role of this variant in disease. Therefore, it has been classified as a Variant of Uncertain Significance. Algorithms developed to predict the effect of missense changes on protein structure and function (SIFT, PolyPhen-2, Align-GVGD) all suggest that this variant is likely to be tolerated. This variant has not been reported in the literature in individuals affected with MAST1-related conditions. This variant is not present in population databases (gnomAD no frequency). This sequence change replaces threonine, which is neutral and polar, with asparagine, which is neutral and polar, at codon 72 of the MAST1 protein (p.Thr72Asn).

NM_014975.3(MAST1):c.215C>A (p.Thr72Asn)

Gene: MAST1 (microtubule associated serine/threonine kinase 1; plus strand). Cytogenetic location: 19p13.13.
Variant type: single nucleotide variant.
Coding change: c.215C>A on transcript NM_014975.3 (MANE Select); coding-DNA position 215, C replaced by A.
Protein change: p.Thr72Asn; replaces threonine 72 with asparagine.
Molecular consequence: missense variant.
Genome position (GRCh38, 1-based): chr19:12,841,033, C>A. VCF-style: chr19-12841033-C-A. GRCh37 (hg19) VCF-style: chr19-12951847-C-A.
Other names: short protein forms T72N.
Identifiers: ClinVar variation 1972205 (VCV001972205.5), dbSNP rs376680860, ClinGen allele CA404253766.